The following is an entry in ClinVar:

ClinVar aggregate classification (germline): Uncertain significance (1 of 4 stars; one submission).

Conditions:
FGF14-related disorder. Also called: FGF14-related condition.

gnomAD v4.1: 49 of 1,613,400 alleles (0.003%); highest among the groups gnomAD compares: Non-Finnish European, 0.0014%; no homozygotes.

Submission:

PreventionGenetics, part of Exact Sciences
Classification: Uncertain significance for FGF14-related condition. Last evaluated: 2024-12-19. Review status: criteria provided, single submitter. Criteria: ACMG Guidelines, 2015. Collection method: clinical testing. Allele origin: germline.
Comment: The FGF14 c.100A>G variant is predicted to result in the amino acid substitution p.Ser34Gly. To our knowledge, this variant has not been reported in the literature. This variant is reported in 0.044% of alleles in individuals of European (Finnish) descent in gnomAD. At this time, the clinical significance of this variant is uncertain due to the absence of conclusive functional and genetic evidence.

NM_004115.4(FGF14):c.100A>G (p.Ser34Gly)

Gene: FGF14 (fibroblast growth factor 14; minus strand). Cytogenetic location: 13q33.1.
Variant type: single nucleotide variant.
Coding change: c.100A>G on transcript NM_004115.4 (MANE Select); coding-DNA position 100, A replaced by G.
Protein change: p.Ser34Gly; replaces serine 34 with glycine.
Molecular consequence: missense variant. On other transcripts: intron variant (21).
Genome position (GRCh38, 1-based): chr13:101,916,546, T>C on the plus strand (A>G on the coding strand, the complement: FGF14 is on the minus strand). VCF-style: chr13-101916546-T-C. GRCh37 (hg19) VCF-style: chr13-102568896-T-C.
Other names: c.53-41250A>G (NM_001321947.2); c.92-41250A>G (NM_001379342.1, NM_001321948.2, NM_001321945.2); c.-59-41250A>G (NM_001321946.2, NM_001321949.1, NM_001321943.1 and 4 more transcripts); c.14-41250A>G (NM_001321938.2, NM_001321940.1, NM_001321933.1); c.209-47718A>G (NM_001321939.2); c.209-41250A>G (NM_175929.3, NM_001321937.2); c.8-41250A>G (NM_001321941.2); c.5-41250A>G (NM_001321944.1, NM_001321936.1, NM_001321932.1); short protein forms S34G.
Identifiers: ClinVar variation 4983930 (VCV004983930.1).